The following is an entry in ClinVar:

NM_004006.3(DMD):c.8766C>T (p.Ser2922=)

Gene: DMD (dystrophin; minus strand). Cytogenetic location: Xp21.2.
Variant type: single nucleotide variant.
Coding change: c.8766C>T on transcript NM_004006.3 (MANE Select); coding-DNA position 8766, C replaced by T.
Protein change: p.Ser2922=; no amino-acid change (serine 2922 retained).
Molecular consequence: synonymous variant.
Genome position (GRCh38, 1-based): chrX:31,478,277, G>A on the plus strand (C>T on the coding strand, the complement: DMD is on the minus strand). VCF-style: chrX-31478277-G-A. GRCh37 (hg19) VCF-style: chrX-31496394-G-A.
Other names: p.Ser2922=; c.8742C>T, p.Ser2914= (NM_000109.4); c.8754C>T, p.Ser2918= (NM_004009.3); c.8397C>T, p.Ser2799= (NM_004010.3); c.4743C>T, p.Ser1581= (NM_004011.4); c.4734C>T, p.Ser1578= (NM_004012.4); c.1386C>T, p.Ser462= (NM_004013.3, NM_004020.4, NM_004021.3 and 2 more transcripts); c.579C>T, p.Ser193= (NM_004014.3).
Identifiers: ClinVar variation 380130 (VCV000380130.17), dbSNP rs149776669, ClinGen allele CA10377990.

ClinVar aggregate classification (germline): Likely benign. Review status: criteria provided, multiple submitters, no conflicts (2 of 4 stars). 5 submissions from 5 submitters: Likely benign (4). 1 of the submissions does not count toward it. Last evaluated 2026-02-01.

Conditions:
Cardiovascular phenotype. Identifiers: MedGen CN230736.
Duchenne muscular dystrophy (DMD). Also called: MUSCULAR DYSTROPHY, PSEUDOHYPERTROPHIC PROGRESSIVE, DUCHENNE TYPE; Duchenne Muscular Dystrophy (DMD). Identifiers: Orphanet 98896, MedGen C0013264, MONDO:0010679, OMIM 310200.
Becker muscular dystrophy (BMD). Also called: MUSCULAR DYSTROPHY, PSEUDOHYPERTROPHIC PROGRESSIVE, BECKER TYPE; Becker Muscular Dystrophy (BMD). Identifiers: Orphanet 98895, MedGen C0917713, MONDO:0010311, OMIM 300376.
Cardiomyopathy (CMYO). Also called: Cardiomyopathies. Identifiers: Orphanet 167848, MedGen C0878544, MONDO:0004994, HP:0001638. Inheritance: Various modes of inheritance.
Dystrophin deficiency.

Allele frequency attached by ClinVar (database versions not stated): ExAC 0.00001; gnomAD exomes 0.00001; TOPMed 0.00005; gnomAD 0.00007 and 0.00008; ESP Exome Variant Server 0.00009.
gnomAD v4.1: 20 of 1,209,266 alleles (0.0017%); highest among the groups gnomAD compares: African/African-American, 0.018%; no homozygotes.

Submissions (5):

Labcorp Genetics (formerly Invitae), Labcorp
Classification: Likely benign for Duchenne muscular dystrophy. Last evaluated: 2026-02-01. Review status: criteria provided, single submitter. Criteria: Invitae Variant Classification Sherloc (09022015). Collection method: clinical testing. Allele origin: germline.

Ambry Genetics
Classification: Likely benign for Cardiovascular phenotype. Last evaluated: 2025-09-18. Review status: criteria provided, single submitter. Criteria: Ambry Variant Classification Scheme 2023. Collection method: clinical testing. Allele origin: germline.

Mayo Clinic Laboratories, Mayo Clinic
Classification: Likely benign. Last evaluated: 2025-02-06. Review status: criteria provided, single submitter. Criteria: ACMG Guidelines, 2015. Collection method: clinical testing. Allele origin: germline. Observed: 1 variant allele.
Comment: BP4, BP7

GeneDx
Classification: Likely benign. Last evaluated: 2021-04-29. Review status: criteria provided, single submitter. Criteria: GeneDx Variant Classification Process June 2021. Collection method: clinical testing. Allele origin: germline. Affected: yes.

Natera, Inc.
Classification: Likely benign for Becker muscular dystrophy; Cardiomyopathy; Duchenne muscular dystrophy; Dystrophin deficiency. Last evaluated: 2019-07-02. Review status: no assertion criteria provided. Collection method: clinical testing. Allele origin: germline. Not counted in ClinVar's aggregate classification.